The following is an entry in ClinVar:

NM_000264.5(PTCH1):c.1070C>T (p.Ala357Val)

Gene: PTCH1 (patched 1; minus strand). Cytogenetic location: 9q22.32.
Variant type: single nucleotide variant.
Coding change: c.1070C>T on transcript NM_000264.5 (MANE Select); coding-DNA position 1070, C replaced by T.
Protein change: p.Ala357Val; replaces alanine 357 with valine.
Molecular consequence: missense variant. On other transcripts: non-coding transcript variant (1).
Genome position (GRCh38, 1-based): chr9:95,479,145, G>A on the plus strand (C>T on the coding strand, the complement: PTCH1 is on the minus strand). VCF-style: chr9-95479145-G-A. GRCh37 (hg19) VCF-style: chr9-98241427-G-A.
Other names: c.872C>T, p.Ala291Val (NM_001083602.3); c.1067C>T, p.Ala356Val (NM_001083603.3); c.617C>T, p.Ala206Val (NM_001083604.3, NM_001083605.3, NM_001083606.3 and 1 more transcripts); c.1070C>T, p.Ala357Val (NM_001354918.2); short protein forms A206V, A291V, A356V, A357V.
Identifiers: ClinVar variation 1004341 (VCV001004341.12), dbSNP rs1841334350, ClinGen allele CA374119538.
Genomic context (GRCh38, chr9:95,479,145, plus strand): 5'-TTGAAGTGCTCGTACATTTGCTTGGGAGTCATTAACTGGAACATGGTCTGCAGGGCATGG[G>A]CGCTGCAGCACAGTCCAAGGGAAGGCACATCATCAGTATTCCCAGGAAGCAGTTTCCACT-3'
Protein context (NP_000255.2, residues 347-367): VKNSTGKLVS[Ala357Val]HALQTMFQLM

ClinVar aggregate classification (germline): Uncertain significance (1 of 4 stars; one submission).

Conditions:
Gorlin syndrome. Also called: Nevoid Basal Cell Carcinoma Syndrome; Basal cell nevus syndrome. Identifiers: Orphanet 377, MedGen C0004779, MONDO:0007187.

Submission:

Labcorp Genetics (formerly Invitae), Labcorp
Classification: Uncertain significance for Gorlin syndrome. Last evaluated: 2020-02-25. Review status: criteria provided, single submitter. Criteria: Invitae Variant Classification Sherloc (09022015). Collection method: clinical testing. Allele origin: germline.
Comment: This variant has not been reported in the literature in individuals with PTCH1-related conditions. In summary, the available evidence is currently insufficient to determine the role of this variant in disease. Therefore, it has been classified as a Variant of Uncertain Significance. Algorithms developed to predict the effect of missense changes on protein structure and function are either unavailable or do not agree on the potential impact of this missense change (SIFT: "Deleterious"; PolyPhen-2: "Probably Damaging"; Align-GVGD: "Class C0"). This variant is not present in population databases (ExAC no frequency). This sequence change replaces alanine with valine at codon 357 of the PTCH1 protein (p.Ala357Val). The alanine residue is highly conserved and there is a small physicochemical difference between alanine and valine.